The following is an entry in ClinVar:

NM_152468.5(TMC8):c.1899del (p.Trp634fs)

Gene: TMC8 (transmembrane channel like 8; plus strand). Cytogenetic location: 17q25.3.
Variant type: Deletion.
Coding change: c.1899del on transcript NM_152468.5 (MANE Select); coding-DNA position 1899, one base deleted (G; older notation c.1899delG).
Protein change: p.Trp634fs; shifts the reading frame from tryptophan 634.
Molecular consequence: frameshift variant.
Genome position (GRCh38, 1-based): chr17:78,139,237, G deleted. VCF-style (leftmost placement, unchanged base first): chr17-78139236-TG-T. GRCh37 (hg19) VCF-style: chr17-76135317-TG-T.
Other names: short protein forms W634fs.
Identifiers: ClinVar variation 1444975 (VCV001444975.7), dbSNP rs1444491172, ClinGen allele CA627634035.

ClinVar aggregate classification (germline): Uncertain significance (1 of 4 stars; one submission).

Conditions:
Epidermodysplasia verruciformis. Identifiers: Orphanet 302, MedGen C0014522, MONDO:0009176.

Allele frequency attached by ClinVar (database versions not stated): gnomAD exomes 0.00001.

Submission:

Labcorp Genetics (formerly Invitae), Labcorp
Classification: Uncertain significance for Epidermodysplasia verruciformis. Last evaluated: 2021-01-02. Review status: criteria provided, single submitter. Criteria: Invitae Variant Classification Sherloc (09022015). Collection method: clinical testing. Allele origin: germline.
Comment: This sequence change results in a frameshift in the TMC8 gene (p.Trp634Glyfs*156). While this is not anticipated to result in nonsense mediated decay, it is expected to disrupt the last 93 amino acid(s) of the TMC8 protein and extend the protein by 62 additional amino acid residues. This variant is not present in population databases (ExAC no frequency). This variant has not been reported in the literature in individuals with TMC8-related conditions. Experimental studies and prediction algorithms are not available or were not evaluated, and the functional significance of this variant is currently unknown. In summary, the available evidence is currently insufficient to determine the role of this variant in disease. Therefore, it has been classified as a Variant of Uncertain Significance.